The following is an entry in ClinVar:

ClinVar aggregate classification (germline): Uncertain significance (1 of 4 stars; one submission).

Conditions:
Familial intrahepatic cholestasis. Identifiers: Orphanet 284385, MedGen CN296401, MONDO:0017290.

gnomAD v4.1: 1 of 1,614,058 alleles (0.000062%); highest among the groups gnomAD compares: Non-Finnish European, 0.000085%; no homozygotes.

Submission:

Genomenon, Inc
Classification: Uncertain significance for Familial intrahepatic cholestasis. Last evaluated: 2026-04-14. Review status: criteria provided, single submitter. Criteria: Genomenon Sequence Variant Interpretation Standards - Updated. Collection method: curation. Allele origin: germline. Affected: yes.
Comment: ATP8B1 p.Gly308Asp (c.923G>A) is a missense variant that changes the amino acid at residue 308 from Glycine to Aspartic acid. This variant has been observed in at least one proband with features of ATP8B1-deficiency (PMID:15239083). The presence of pathogenic/likely pathogenic missense variant(s) at the same amino acid position indicates that this residue is likely important for protein function. It is absent or not present at a significant frequency in gnomAD. In silico models predict that this variant is possibly or probably damaging. In conclusion, we classify ATP8B1 p.Gly308Asp (c.923G>A) as a variant of uncertain significance.

Literature cited by the submitters: PubMed 15239083.

NM_001374385.1(ATP8B1):c.923G>A (p.Gly308Asp)

Gene: ATP8B1 (ATPase phospholipid transporting 8B1; minus strand). Cytogenetic location: 18q21.31.
Variant type: single nucleotide variant.
Coding change: c.923G>A on transcript NM_001374385.1 (MANE Select); coding-DNA position 923, G replaced by A.
Protein change: p.Gly308Asp; replaces glycine 308 with aspartic acid.
Molecular consequence: missense variant.
Genome position (GRCh38, 1-based): chr18:57,695,188, C>T on the plus strand (G>A on the coding strand, the complement: ATP8B1 is on the minus strand). VCF-style: chr18-57695188-C-T. GRCh37 (hg19) VCF-style: chr18-55362420-C-T.
Other names: c.773G>A, p.Gly258Asp (NM_001374386.1); c.923G>A, p.Gly308Asp (NM_005603.6); short protein forms G258D, G308D.
Identifiers: ClinVar variation 4846085 (VCV004846085.1).